The following is an entry in ClinVar:

NM_000094.4(COL7A1):c.7637T>A (p.Leu2546Ter)

Gene: COL7A1 (collagen type VII alpha 1 chain; minus strand). Cytogenetic location: 3p21.31.
Variant type: single nucleotide variant.
Coding change: c.7637T>A on transcript NM_000094.4 (MANE Select); coding-DNA position 7637, T replaced by A.
Protein change: p.Leu2546Ter; replaces leucine 2546 with a stop codon.
Molecular consequence: nonsense.
Genome position (GRCh38, 1-based): chr3:48,569,424, A>T on the plus strand (T>A on the coding strand, the complement: COL7A1 is on the minus strand). VCF-style: chr3-48569424-A-T. GRCh37 (hg19) VCF-style: chr3-48606857-A-T.
Other names: short protein forms L2546*.
Identifiers: ClinVar variation 2856837 (VCV002856837.3), dbSNP rs2530843906, ClinGen allele CA352643909.

ClinVar aggregate classification (germline): Pathogenic (1 of 4 stars; one submission).

Submission:

Labcorp Genetics (formerly Invitae), Labcorp
Classification: Pathogenic. Last evaluated: 2023-04-16. Review status: criteria provided, single submitter. Criteria: Invitae Variant Classification Sherloc (09022015). Collection method: clinical testing. Allele origin: germline.
Comment: This variant has not been reported in the literature in individuals affected with COL7A1-related conditions. For these reasons, this variant has been classified as Pathogenic. This variant is not present in population databases (gnomAD no frequency). This sequence change creates a premature translational stop signal (p.Leu2546*) in the COL7A1 gene. It is expected to result in an absent or disrupted protein product. Loss-of-function variants in COL7A1 are known to be pathogenic (PMID: 16971478).

Literature cited by the submitters: PubMed 16971478.